The following is an entry in ClinVar:

ClinVar aggregate classification (germline): Uncertain significance (1 of 4 stars; one submission).

Submission:

Labcorp Genetics (formerly Invitae), Labcorp
Classification: Uncertain significance. Last evaluated: 2021-11-30. Review status: criteria provided, single submitter. Criteria: Invitae Variant Classification Sherloc (09022015). Collection method: clinical testing. Allele origin: germline.
Comment: In summary, the available evidence is currently insufficient to determine the role of this variant in disease. Therefore, it has been classified as a Variant of Uncertain Significance. Experimental studies and prediction algorithms are not available or were not evaluated, and the functional significance of this variant is currently unknown. This variant has not been reported in the literature in individuals affected with COL18A1-related conditions. This variant is not present in population databases (gnomAD no frequency). This sequence change replaces arginine, which is basic and polar, with proline, which is neutral and non-polar, at codon 1073 of the COL18A1 protein (p.Arg1073Pro).

NM_001379500.1(COL18A1):c.3227G>C (p.Arg1076Pro)

Genes: COL18A1 (collagen type XVIII alpha 1 chain; plus strand), SLC19A1 (solute carrier family 19 member 1; minus strand). Cytogenetic location: 21q22.3.
Variant type: single nucleotide variant.
Coding change: c.3227G>C on transcript NM_001379500.1 (MANE Select); coding-DNA position 3227, G replaced by C.
Protein change: p.Arg1076Pro; replaces arginine 1076 with proline.
Molecular consequence: missense variant.
Genome position (GRCh38, 1-based): chr21:45,507,571, G>C. VCF-style: chr21-45507571-G-C. GRCh37 (hg19) VCF-style: chr21-46927485-G-C.
Other names: c.3758G>C, p.Arg1253Pro (NM_030582.4); c.4463G>C, p.Arg1488Pro (NM_130444.3); short protein forms R1253P, R1488P, R1076P.
Identifiers: ClinVar variation 1506545 (VCV001506545.6), dbSNP rs779505082, ClinGen allele CA321922534.